The following is an entry in ClinVar:

ClinVar aggregate classification (germline): Uncertain significance (1 of 4 stars; one submission).

Conditions:
Bardet-Biedl syndrome 3 (BBS3). Identifiers: Orphanet 110, MedGen C1859564, MONDO:0010832, OMIM 600151.
Retinitis pigmentosa 55 (RP55). Identifiers: Orphanet 791, MedGen C3150808, MONDO:0013312, OMIM 613575.

gnomAD v4.1: 1 of 1,613,682 alleles (0.000062%); no homozygotes.

Submission:

Labcorp Genetics (formerly Invitae), Labcorp
Classification: Uncertain significance for Retinitis pigmentosa 55; Bardet-Biedl syndrome 3. Last evaluated: 2022-03-19. Review status: criteria provided, single submitter. Criteria: Invitae Variant Classification Sherloc (09022015). Collection method: clinical testing. Allele origin: germline.
Comment: This sequence change replaces valine, which is neutral and non-polar, with alanine, which is neutral and non-polar, at codon 174 of the ARL6 protein (p.Val174Ala). This variant is not present in population databases (gnomAD no frequency). This variant has not been reported in the literature in individuals affected with ARL6-related conditions. Algorithms developed to predict the effect of missense changes on protein structure and function are either unavailable or do not agree on the potential impact of this missense change (SIFT: "Tolerated"; PolyPhen-2: "Possibly Damaging"; Align-GVGD: "Class C0"). In summary, the available evidence is currently insufficient to determine the role of this variant in disease. Therefore, it has been classified as a Variant of Uncertain Significance.

NM_001278293.3(ARL6):c.521T>C (p.Val174Ala)

Gene: ARL6 (ARF like GTPase 6; plus strand). Cytogenetic location: 3q11.2.
Variant type: single nucleotide variant.
Coding change: c.521T>C on transcript NM_001278293.3 (MANE Select); coding-DNA position 521, T replaced by C.
Protein change: p.Val174Ala; replaces valine 174 with alanine.
Molecular consequence: missense variant. On other transcripts: non-coding transcript variant (6), intron variant (1).
Genome position (GRCh38, 1-based): chr3:97,791,812, T>C. VCF-style: chr3-97791812-T-C. GRCh37 (hg19) VCF-style: chr3-97510656-T-C.
Other names: c.521T>C, p.Val174Ala (NM_001323513.2, NM_032146.5, NM_177976.3); c.479+3693T>C (NM_001323514.2); short protein forms V174A.
Identifiers: ClinVar variation 2114465 (VCV002114465.4), dbSNP rs2530011450, ClinGen allele CA353589420.
Genomic context (GRCh38, chr3:97,791,812, plus strand): 5'-CTTATGGATTTCATTTCAGTGCTAGTGATGCCATAAAAGGAGAAGGCTTGCAAGAAGGTG[T>C]AGACTGGCTTCAAGGTACATTACAAAATACTGTGTGTCTTCAGCCTTTGTTTCCTTTTTA-3'
Protein context (NP_001265222.1, residues 164-184): AIKGEGLQEG[Val174Ala]DWLQDQIQTV